The following is an entry in ClinVar:

ClinVar aggregate classification (germline): Uncertain significance. Review status: criteria provided, multiple submitters, no conflicts (2 of 4 stars). 2 submissions from 2 submitters: Uncertain significance (2). Last evaluated 2025-03-03.

Conditions:
Cohen syndrome (COH1). Also called: PEPPER SYNDROME; Cutis verticis gyrata, retinitis pigmentosa, and sensorineural deafness. Identifiers: Orphanet 193, MedGen C0265223, MONDO:0008999, OMIM 216550.

Allele frequency attached by ClinVar (database versions not stated): gnomAD exomes below 0.00001.
gnomAD v4.1: 1 of 1,613,436 alleles (0.000062%); highest among the groups gnomAD compares: Non-Finnish European, 0.000085%; no homozygotes.

Submissions (2):

Athena Diagnostics
Classification: Uncertain significance. Last evaluated: 2025-03-03. Review status: criteria provided, single submitter. Criteria: Athena Diagnostics Criteria. Collection method: clinical testing. Allele origin: unknown.
Comment: Available data are insufficient to determine the clinical significance of the variant at this time. This variant has not been reported in large, multi-ethnic general populations. Computational tools yielded predictions that this variant may interfere with normal RNA splicing.

Labcorp Genetics (formerly Invitae), Labcorp
Classification: Uncertain significance for Cohen syndrome. Last evaluated: 2023-09-12. Review status: criteria provided, single submitter. Criteria: Invitae Variant Classification Sherloc (09022015). Collection method: clinical testing. Allele origin: germline.
Comment: Variants that disrupt the consensus splice site are a relatively common cause of aberrant splicing (PMID: 17576681, 9536098). Algorithms developed to predict the effect of sequence changes on RNA splicing suggest that this variant may disrupt the consensus splice site. In summary, the available evidence is currently insufficient to determine the role of this variant in disease. Therefore, it has been classified as a Variant of Uncertain Significance. ClinVar contains an entry for this variant (Variation ID: 1807051). This variant has not been reported in the literature in individuals affected with VPS13B-related conditions. This variant is not present in population databases (gnomAD no frequency). This sequence change affects codon 3940 of the VPS13B mRNA. It is a 'silent' change, meaning that it does not change the encoded amino acid sequence of the VPS13B protein. This variant also falls at the last nucleotide of exon 61, which is part of the consensus splice site for this exon.

Literature cited by the submitters: PubMed 17576681 (cited by Labcorp Genetics (formerly Invitae), Labcorp); PubMed 9536098 (cited by Labcorp Genetics (formerly Invitae), Labcorp).

NM_152564.5(VPS13B):c.11745G>A (p.Glu3915=)

Gene: VPS13B (vacuolar protein sorting 13 homolog B; plus strand). Cytogenetic location: 8q22.2.
Variant type: single nucleotide variant.
Coding change: c.11745G>A on transcript NM_152564.5 (MANE Select); coding-DNA position 11745, G replaced by A.
Protein change: p.Glu3915=; no amino-acid change (glutamic acid 3915 retained).
Molecular consequence: synonymous variant.
Genome position (GRCh38, 1-based): chr8:99,871,697, G>A. VCF-style: chr8-99871697-G-A. GRCh37 (hg19) VCF-style: chr8-100883925-G-A.
Other names: c.11820G>A, p.Glu3940= (NM_017890.5).
Identifiers: ClinVar variation 1807051 (VCV001807051.5), dbSNP rs2492378636, ClinGen allele CA462339846.
Genomic context (GRCh38, chr8:99,871,697, plus strand): 5'-CAAGCAGAACAACTTACTCACAGTGCAGCTCAAGCAGCCAAGAGTGGCCTGTGATGTGGA[G>A]GTACGTTTCAGAAAACAGGGCAACCAAGACTAGCTGGCCAGGGAGGTTGAGGAGCAGGCT-3'
Protein context (NP_689777.3, residues 3905-3925): LKQPRVACDV[Glu3915=]VDGVRERLSE